The following is an entry in ClinVar:

ClinVar aggregate classification (germline): Uncertain significance (1 of 4 stars; one submission).

Allele frequency attached by ClinVar (database versions not stated): gnomAD exomes below 0.00001.
gnomAD v4.1: 1 of 1,614,248 alleles (0.000062%); highest among the groups gnomAD compares: Admixed American, 0.0017%; no homozygotes.

Submission:

GeneDx
Classification: Uncertain significance. Last evaluated: 2019-09-16. Review status: criteria provided, single submitter. Criteria: GeneDx Variant Classification Process June 2021. Collection method: clinical testing. Allele origin: germline. Affected: yes.
Comment: Not observed in large population cohorts (Lek et al., 2016); In silico analysis, which includes protein predictors and evolutionary conservation, supports a deleterious effect; Has not been previously published as pathogenic or benign to our knowledge

NM_004977.3(KCNC3):c.1366G>A (p.Ala456Thr)

Gene: KCNC3 (potassium voltage-gated channel subfamily C member 3; minus strand). Cytogenetic location: 19q13.33.
Variant type: single nucleotide variant.
Coding change: c.1366G>A on transcript NM_004977.3 (MANE Select); coding-DNA position 1366, G replaced by A.
Protein change: p.Ala456Thr; replaces alanine 456 with threonine.
Molecular consequence: missense variant.
Genome position (GRCh38, 1-based): chr19:50,323,587, C>T on the plus strand (G>A on the coding strand, the complement: KCNC3 is on the minus strand). VCF-style: chr19-50323587-C-T. GRCh37 (hg19) VCF-style: chr19-50826844-C-T.
Other names: c.1138G>A, p.Ala380Thr (NM_001372305.1); short protein forms A380T, A456T.
Identifiers: ClinVar variation 1311117 (VCV001311117.2), dbSNP rs2123534692, ClinGen allele CA406951468.